The following is an entry in ClinVar:

NM_006231.4(POLE):c.4234A>G (p.Asn1412Asp)

Gene: POLE (DNA polymerase epsilon, catalytic subunit; minus strand). Cytogenetic location: 12q24.33.
Variant type: single nucleotide variant.
Coding change: c.4234A>G on transcript NM_006231.4 (MANE Select); coding-DNA position 4234, A replaced by G.
Protein change: p.Asn1412Asp; replaces asparagine 1412 with aspartic acid.
Molecular consequence: missense variant.
Genome position (GRCh38, 1-based): chr12:132,643,893, T>C on the plus strand (A>G on the coding strand, the complement: POLE is on the minus strand). VCF-style: chr12-132643893-T-C. GRCh37 (hg19) VCF-style: chr12-133220479-T-C.
Other names: c.4234A>G (NM_006231.2); short protein forms N1412D.
Identifiers: ClinVar variation 1004945 (VCV001004945.9), dbSNP rs2042214342, ClinGen allele CA387382076.

ClinVar aggregate classification (germline): Uncertain significance. Review status: criteria provided, multiple submitters, no conflicts (2 of 4 stars). 2 submissions from 2 submitters: Uncertain significance (2). Last evaluated 2025-08-29.

Conditions:
Hereditary cancer-predisposing syndrome. Also called: Hereditary neoplastic syndrome; Neoplastic Syndromes, Hereditary; Tumor predisposition; Hereditary Cancer Syndrome. Identifiers: Orphanet 140162, MedGen C0027672, MeSH D009386, MONDO:0015356.

Submissions (2):

Ambry Genetics
Classification: Uncertain significance for Hereditary cancer-predisposing syndrome. Last evaluated: 2025-08-29. Review status: criteria provided, single submitter. Criteria: Ambry Variant Classification Scheme 2023. Collection method: clinical testing. Allele origin: germline.
Comment: The p.N1412D variant (also known as c.4234A>G), located in coding exon 33 of the POLE gene, results from an A to G substitution at nucleotide position 4234. The asparagine at codon 1412 is replaced by aspartic acid, an amino acid with highly similar properties. This amino acid position is conserved. In addition, this alteration is predicted to be tolerated by in silico analysis. Based on the available evidence, the clinical significance of this variant remains unclear.

Labcorp Genetics (formerly Invitae), Labcorp
Classification: Uncertain significance. Last evaluated: 2022-03-08. Review status: criteria provided, single submitter. Criteria: Invitae Variant Classification Sherloc (09022015). Collection method: clinical testing. Allele origin: germline.
Comment: Algorithms developed to predict the effect of missense changes on protein structure and function (SIFT, PolyPhen-2, Align-GVGD) all suggest that this variant is likely to be tolerated. In summary, the available evidence is currently insufficient to determine the role of this variant in disease. Therefore, it has been classified as a Variant of Uncertain Significance. This sequence change replaces asparagine, which is neutral and polar, with aspartic acid, which is acidic and polar, at codon 1412 of the POLE protein (p.Asn1412Asp). This variant is not present in population databases (gnomAD no frequency). This variant has not been reported in the literature in individuals affected with POLE-related conditions. ClinVar contains an entry for this variant (Variation ID: 1004945).